The following is an entry in ClinVar:

ClinVar aggregate classification (germline): Uncertain significance (1 of 4 stars; one submission).

Conditions:
Hereditary cancer-predisposing syndrome. Also called: Neoplastic Syndromes, Hereditary; Tumor predisposition; Hereditary neoplastic syndrome; Hereditary Cancer Syndrome. Identifiers: Orphanet 140162, MedGen C0027672, MeSH D009386, MONDO:0015356.

Submission:

Ambry Genetics
Classification: Uncertain significance for Hereditary cancer-predisposing syndrome. Last evaluated: 2019-01-18. Review status: criteria provided, single submitter. Criteria: Ambry Variant Classification Scheme 2023. Collection method: clinical testing. Allele origin: germline.
Comment: The p.E1242Q variant (also known as c.3724G>C), located in coding exon 25 of the SMARCA4 gene, results from a G to C substitution at nucleotide position 3724. The glutamic acid at codon 1242 is replaced by glutamine, an amino acid with highly similar properties. This amino acid position is highly conserved in available vertebrate species. In addition, the in silico prediction for this alteration is inconclusive. Since supporting evidence is limited at this time, the clinical significance of this alteration remains unclear.

NM_003072.5(SMARCA4):c.3724G>C (p.Glu1242Gln)

Gene: SMARCA4 (SWI/SNF related BAF chromatin remodeling complex subunit ATPase 4; plus strand). Cytogenetic location: 19p13.2.
Variant type: single nucleotide variant.
Coding change: c.3724G>C on transcript NM_003072.5 (MANE Select); coding-DNA position 3724, G replaced by C.
Protein change: p.Glu1242Gln; replaces glutamic acid 1242 with glutamine.
Molecular consequence: missense variant. On other transcripts: non-coding transcript variant (1).
Genome position (GRCh38, 1-based): chr19:11,033,467, G>C. VCF-style: chr19-11033467-G-C. GRCh37 (hg19) VCF-style: chr19-11144143-G-C.
Other names: c.3724G>C, p.Glu1242Gln (NM_001128849.3, NM_001374457.1, NM_001128848.2 and 4 more transcripts); short protein forms E1242Q.
Identifiers: ClinVar variation 824129 (VCV000824129.4), dbSNP rs1555784586, ClinGen allele CA404065986.